The following is an entry in ClinVar:

NM_000552.5(VWF):c.4384C>T (p.Pro1462Ser)

Gene: VWF (von Willebrand factor; minus strand). Cytogenetic location: 12p13.31.
Variant type: single nucleotide variant.
Coding change: c.4384C>T on transcript NM_000552.5 (MANE Select); coding-DNA position 4384, C replaced by T.
Protein change: p.Pro1462Ser; replaces proline 1462 with serine.
Molecular consequence: missense variant.
Genome position (GRCh38, 1-based): chr12:6,019,034, G>A on the plus strand (C>T on the coding strand, the complement: VWF is on the minus strand). VCF-style: chr12-6019034-G-A. GRCh37 (hg19) VCF-style: chr12-6128200-G-A.
Other names: c.4384C>T (NM_000552.4); short protein forms P1462S.
Identifiers: ClinVar variation 4848879 (VCV004848879.2).
Genomic context (GRCh38, chr12:6,019,034, plus strand): 5'-GCCCCGGGCCCACAGTGACTTGTGCCATGTCGGGGGGCAGAGTAGGAGGAGGGGCTTCAG[G>A]GGCAAGGTCACAGAGGTAGCTAACGATCTCGTCCCTTTGCTGCTCCAGCTCATCCACACT-3'
Protein context (NP_000543.3, residues 1452-1472): EIVSYLCDLA[Pro1462Ser]EAPPPTLPPD

ClinVar aggregate classification (germline): Uncertain significance. Review status: criteria provided, multiple submitters, no conflicts (2 of 4 stars). 2 submissions from 2 submitters: Uncertain significance (2). Last evaluated 2026-08-05.

Conditions:
VWF-related disorder. Also called: VWF-related disorders; VWF-related condition.

Submissions (2):

PreventionGenetics, part of Exact Sciences
Classification: Uncertain significance for VWF-related condition. Last evaluated: 2026-08-05. Review status: criteria provided, single submitter. Criteria: ACMG Guidelines, 2015. Collection method: clinical testing. Allele origin: germline.
Comment: The VWF c.4384C>T variant is predicted to result in the amino acid substitution p.Pro1462Ser. To our knowledge, this variant has not been reported in the literature or in a large population database (gnomAD), indicating this variant is rare. At this time, the clinical significance of this variant is uncertain due to the absence of conclusive functional and genetic evidence.

Women's Health and Genetics/Laboratory Corporation of America, LabCorp
Classification: Uncertain significance. Last evaluated: 2026-04-28. Review status: criteria provided, single submitter. Criteria: LabCorp Variant Classification Summary - May 2015. Collection method: clinical testing. Allele origin: germline.
Comment: Variant summary: VWF c.4384C>T (p.Pro1462Ser) results in a non-conservative amino acid change in the encoded protein sequence. Algorithms developed to predict the effect of missense changes on protein structure and function all suggest that this variant is likely to be disruptive. The variant was absent in 250506 control chromosomes. The available data on variant occurrences in the general population are insufficient to allow any conclusion about variant significance. To our knowledge, no occurrence of c.4384C>T in individuals affected with VWF-related conditions and no experimental evidence demonstrating its impact on protein function have been reported. No submitters have cited clinical-significance assessments for this variant to ClinVar. Based on the evidence outlined above, the variant was classified as uncertain significance.